The following is an entry in ClinVar:

NM_003331.5(TYK2):c.1228C>T (p.Arg410Trp)

Gene: TYK2 (tyrosine kinase 2; minus strand). Cytogenetic location: 19p13.2.
Variant type: single nucleotide variant.
Coding change: c.1228C>T on transcript NM_003331.5 (MANE Select); coding-DNA position 1228, C replaced by T.
Protein change: p.Arg410Trp; replaces arginine 410 with tryptophan.
Molecular consequence: missense variant.
Genome position (GRCh38, 1-based): chr19:10,364,753, G>A on the plus strand (C>T on the coding strand, the complement: TYK2 is on the minus strand). VCF-style: chr19-10364753-G-A. GRCh37 (hg19) VCF-style: chr19-10475429-G-A.
Other names: c.1228C>T (LRG_121t1); short protein forms R410W.
Identifiers: ClinVar variation 583103 (VCV000583103.6), dbSNP rs780993314, ClinGen allele CA9193490.
Genomic context (GRCh38, chr19:10,364,753, plus strand): 5'-AGTCGGCCGTCAGGCGGAAATAGCCGTCCACCAGCGACACGAAGGACAGCGCCGCAGCCC[G>A]GGAAGGCAAGCTCAGCTCCTGCCAGCCAGGGGCGCATCAGGTGGGTGTCCTCCCAGGCCA-3'
Protein context (NP_003322.3, residues 400-420): NKCLELSLPS[Arg410Trp]AAALSFVSLV

ClinVar aggregate classification (germline): Uncertain significance. Review status: criteria provided, multiple submitters, no conflicts (2 of 4 stars). 2 submissions from 2 submitters: Uncertain significance (2). Last evaluated 2024-04-08.

Conditions:
Inborn genetic diseases. Identifiers: MedGen C0950123, MeSH D030342.
Immunodeficiency 35 (IMD35). Also called: TYK2 DEFICIENCY; HIES WITH ATYPICAL MYCOBACTERIOSIS, AUTOSOMAL RECESSIVE; HYPER-IgE SYNDROME WITH ATYPICAL MYCOBACTERIOSIS, AUTOSOMAL RECESSIVE; Susceptibility to infection due to TYK2 deficiency. Identifiers: Orphanet 331226, MedGen C1969086, MONDO:0012682, OMIM 611521.

Allele frequency attached by ClinVar (database versions not stated): ExAC 0.00001; TOPMed 0.00001; gnomAD exomes 0.00002.
gnomAD v4.1: 20 of 1,613,910 alleles (0.0012%); highest among the groups gnomAD compares: Middle Eastern, 0.016%; no homozygotes.

Submissions (2):

Ambry Genetics
Classification: Uncertain significance for Inborn genetic diseases. Last evaluated: 2024-04-08. Review status: criteria provided, single submitter. Criteria: Ambry Variant Classification Scheme 2023. Collection method: clinical testing. Allele origin: germline.

Labcorp Genetics (formerly Invitae), Labcorp
Classification: Uncertain significance for Immunodeficiency 35. Last evaluated: 2022-07-12. Review status: criteria provided, single submitter. Criteria: Invitae Variant Classification Sherloc (09022015). Collection method: clinical testing. Allele origin: germline.
Comment: This sequence change replaces arginine, which is basic and polar, with tryptophan, which is neutral and slightly polar, at codon 410 of the TYK2 protein (p.Arg410Trp). This variant is present in population databases (rs780993314, gnomAD 0.007%). This variant has not been reported in the literature in individuals affected with TYK2-related conditions. ClinVar contains an entry for this variant (Variation ID: 583103). Algorithms developed to predict the effect of missense changes on protein structure and function are either unavailable or do not agree on the potential impact of this missense change (SIFT: "Not Available"; PolyPhen-2: "Possibly Damaging"; Align-GVGD: "Not Available"). In summary, the available evidence is currently insufficient to determine the role of this variant in disease. Therefore, it has been classified as a Variant of Uncertain Significance.